The following is an entry in ClinVar:

ClinVar aggregate classification (germline): Likely benign (1 of 4 stars; one submission).

Allele frequency attached by ClinVar (database versions not stated): 1000 Genomes Project 30x 0.00031; 1000 Genomes Project 0.00040; TOPMed 0.00065; gnomAD 0.00080; ExAC 0.00104; gnomAD exomes 0.00122; ESP Exome Variant Server 0.00138.
gnomAD v4.1: 1,883 of 1,614,154 alleles (0.12%); highest among the groups gnomAD compares: Non-Finnish European, 0.13%; 1 homozygote.

Submission:

CeGaT Center for Human Genetics Tuebingen
Classification: Likely benign. Last evaluated: 2026-06-01. Review status: criteria provided, single submitter. Criteria: CeGaT Center For Human Genetics Tuebingen Variant Classification Criteria Version 2. Collection method: clinical testing. Allele origin: germline. Affected: yes. Observed: 6 variant alleles.
Comment: VPS16: BP4, BP7

NM_022575.4(VPS16):c.636C>T (p.Pro212=)

Gene: VPS16 (VPS16 core subunit of CORVET and HOPS complexes; plus strand). Cytogenetic location: 20p13.
Variant type: single nucleotide variant.
Coding change: c.636C>T on transcript NM_022575.4 (MANE Select); coding-DNA position 636, C replaced by T.
Protein change: p.Pro212=; no amino-acid change (proline 212 retained).
Molecular consequence: synonymous variant.
Genome position (GRCh38, 1-based): chr20:2,860,975, C>T. VCF-style: chr20-2860975-C-T. GRCh37 (hg19) VCF-style: chr20-2841621-C-T.
Other names: c.636C>T, p.Pro212= (NM_080413.3).
Identifiers: ClinVar variation 2652159 (VCV002652159.24), dbSNP rs138844276, ClinGen allele CA9737428.